The following is an entry in ClinVar:

ClinVar aggregate classification (germline): Uncertain significance (1 of 4 stars; one submission).

gnomAD v4.1: 14 of 1,614,176 alleles (0.00087%); highest among the groups gnomAD compares: African/African-American, 0.012%; no homozygotes.

Submission:

Labcorp Genetics (formerly Invitae), Labcorp
Classification: Uncertain significance. Last evaluated: 2024-04-30. Review status: criteria provided, single submitter. Criteria: Invitae Variant Classification Sherloc (09022015). Collection method: clinical testing. Allele origin: germline.
Comment: This sequence change replaces isoleucine, which is neutral and non-polar, with valine, which is neutral and non-polar, at codon 534 of the TRPV3 protein (p.Ile534Val). This variant is present in population databases (rs780570491, gnomAD 0.02%). This variant has not been reported in the literature in individuals affected with TRPV3-related conditions. Algorithms developed to predict the effect of missense changes on protein structure and function output the following: SIFT: "Not Available"; PolyPhen-2: "Probably Damaging"; Align-GVGD: "Not Available". The valine amino acid residue is found in multiple mammalian species, which suggests that this missense change does not adversely affect protein function. In summary, the available evidence is currently insufficient to determine the role of this variant in disease. Therefore, it has been classified as a Variant of Uncertain Significance.

NM_145068.4(TRPV3):c.1600A>G (p.Ile534Val)

Gene: TRPV3 (transient receptor potential cation channel subfamily V member 3; minus strand). Cytogenetic location: 17p13.2.
Variant type: single nucleotide variant.
Coding change: c.1600A>G on transcript NM_145068.4 (MANE Select); coding-DNA position 1600, A replaced by G.
Protein change: p.Ile534Val; replaces isoleucine 534 with valine.
Molecular consequence: missense variant.
Genome position (GRCh38, 1-based): chr17:3,524,341, T>C on the plus strand (A>G on the coding strand, the complement: TRPV3 is on the minus strand). VCF-style: chr17-3524341-T-C. GRCh37 (hg19) VCF-style: chr17-3427635-T-C.
Other names: c.1600A>G, p.Ile534Val (NM_001258205.2); short protein forms I534V.
Identifiers: ClinVar variation 3717103 (VCV003717103.2).